The following is an entry in ClinVar:

ClinVar aggregate classification (germline): Uncertain significance (1 of 4 stars; one submission).

Conditions:
T-cell immunodeficiency, congenital alopecia, and nail dystrophy. Also called: Congenital alopecia and nail dystrophy associated with severe functional T-cell immunodeficiency; Pignata Guarino syndrome. Identifiers: Orphanet 169095, MedGen C1866426, MONDO:0011132, OMIM 601705.

Submission:

Labcorp Genetics (formerly Invitae), Labcorp
Classification: Uncertain significance for T-cell immunodeficiency, congenital alopecia, and nail dystrophy. Last evaluated: 2024-05-12. Review status: criteria provided, single submitter. Criteria: Invitae Variant Classification Sherloc (09022015). Collection method: clinical testing. Allele origin: germline.
Comment: This sequence change replaces arginine, which is basic and polar, with histidine, which is basic and polar, at codon 69 of the FOXN1 protein (p.Arg69His). This variant is present in population databases (rs769969790, gnomAD 0.02%). This variant has not been reported in the literature in individuals affected with FOXN1-related conditions. Advanced modeling of protein sequence and biophysical properties (such as structural, functional, and spatial information, amino acid conservation, physicochemical variation, residue mobility, and thermodynamic stability) performed at Invitae indicates that this missense variant is not expected to disrupt FOXN1 protein function with a negative predictive value of 80%. In summary, the available evidence is currently insufficient to determine the role of this variant in disease. Therefore, it has been classified as a Variant of Uncertain Significance.

NM_001369369.1(FOXN1):c.206G>A (p.Arg69His)

Gene: FOXN1 (forkhead box N1; plus strand). Cytogenetic location: 17q11.2.
Variant type: single nucleotide variant.
Coding change: c.206G>A on transcript NM_001369369.1 (MANE Select); coding-DNA position 206, G replaced by A.
Protein change: p.Arg69His; replaces arginine 69 with histidine.
Molecular consequence: missense variant.
Genome position (GRCh38, 1-based): chr17:28,524,585, G>A. VCF-style: chr17-28524585-G-A. GRCh37 (hg19) VCF-style: chr17-26851603-G-A.
Other names: c.206G>A, p.Arg69His (NM_003593.3); short protein forms R69H.
Identifiers: ClinVar variation 3622870 (VCV003622870.2).